The following is an entry in ClinVar:

ClinVar aggregate classification (germline): Uncertain significance (1 of 4 stars; one submission).

Allele frequency attached by ClinVar (database versions not stated): TOPMed 0.00002; gnomAD 0.00011 and 0.00016; gnomAD exomes 0.00012 and 0.00015; ExAC 0.00015.
gnomAD v4.1: 193 of 1,613,922 alleles (0.012%); highest among the groups gnomAD compares: South Asian, 0.072%; 1 homozygote.

Submission:

Labcorp Genetics (formerly Invitae), Labcorp
Classification: Uncertain significance. Last evaluated: 2022-09-06. Review status: criteria provided, single submitter. Criteria: Invitae Variant Classification Sherloc (09022015). Collection method: clinical testing. Allele origin: germline.
Comment: This sequence change replaces cysteine, which is neutral and slightly polar, with tyrosine, which is neutral and polar, at codon 31 of the STIL protein (p.Cys31Tyr). This variant is present in population databases (rs757442081, gnomAD 0.06%). This variant has not been reported in the literature in individuals affected with STIL-related conditions. ClinVar contains an entry for this variant (Variation ID: 1359382). Algorithms developed to predict the effect of missense changes on protein structure and function output the following: SIFT: "Tolerated"; PolyPhen-2: "Benign"; Align-GVGD: "Class C0". The tyrosine amino acid residue is found in multiple mammalian species, which suggests that this missense change does not adversely affect protein function. In summary, the available evidence is currently insufficient to determine the role of this variant in disease. Therefore, it has been classified as a Variant of Uncertain Significance.

NM_001048166.1(STIL):c.92G>A (p.Cys31Tyr)

Gene: STIL (STIL centriolar assembly protein; minus strand). Cytogenetic location: 1p33.
Variant type: single nucleotide variant.
Coding change: c.92G>A on transcript NM_001048166.1 (MANE Select); coding-DNA position 92, G replaced by A.
Protein change: p.Cys31Tyr; replaces cysteine 31 with tyrosine.
Molecular consequence: missense variant.
Genome position (GRCh38, 1-based): chr1:47,304,949, C>T on the plus strand (G>A on the coding strand, the complement: STIL is on the minus strand). VCF-style: chr1-47304949-C-T. GRCh37 (hg19) VCF-style: chr1-47770621-C-T.
Other names: c.92G>A, p.Cys31Tyr (NM_001282936.1, NM_001282937.1, NM_001282938.1 and 3 more transcripts); short protein forms C31Y.
Identifiers: ClinVar variation 1359382 (VCV001359382.3), dbSNP rs757442081, ClinGen allele CA842689.
Genomic context (GRCh38, chr1:47,304,949, plus strand): 5'-CTGTAGTAACTGAGATGTAAGTAGATGAAATCTCCAGTTGGCGTTGGGTTCCAAAGTGCA[C>T]ATTTTGATGGAGGAAAGTGGAAAGGTACCATCCTGCTTGAAGGAAACCTTTTGAAAAAAC-3'
Protein context (NP_001041631.1, residues 21-41): MVPFHFPPSK[Cys31Tyr]ALWNPTPTGD